The following is an entry in ClinVar:

ClinVar aggregate classification (germline): Uncertain significance (1 of 4 stars; one submission).

Conditions:
Hereditary sensory and autonomic neuropathy type 6. Also called: HSAN VI; Neuropathy, hereditary sensory and autonomic, type VI. Identifiers: Orphanet 314381, MedGen C3539003, MONDO:0013839, OMIM 614653.
Epidermolysis bullosa simplex 3, localized or generalized intermediate, with BP230 deficiency (EBS3). Also called: Epidermolysis bullosa simplex, autosomal recessive 2; Epidermolysis bullosa simplex due to BP230 deficiency. Identifiers: Orphanet 412181, MedGen C3809470, MONDO:0014180, OMIM 615425.

Submission:

Labcorp Genetics (formerly Invitae), Labcorp
Classification: Uncertain significance for Epidermolysis bullosa simplex 3, localized or generalized intermediate, with BP230 deficiency; Hereditary sensory and autonomic neuropathy type 6. Last evaluated: 2020-11-15. Review status: criteria provided, single submitter. Criteria: Invitae Variant Classification Sherloc (09022015). Collection method: clinical testing. Allele origin: germline.
Comment: This sequence change replaces alanine with glycine at codon 877 of the DST protein (p.Ala877Gly). The alanine residue is highly conserved and there is a small physicochemical difference between alanine and glycine. This variant is not present in population databases (ExAC no frequency). This variant has not been reported in the literature in individuals with DST-related conditions. Algorithms developed to predict the effect of missense changes on protein structure and function (SIFT, PolyPhen-2, Align-GVGD) all suggest that this variant is likely to be disruptive, but these predictions have not been confirmed by published functional studies and their clinical significance is uncertain. Algorithms developed to predict the effect of sequence changes on RNA splicing suggest that this variant may create or strengthen a splice site, but this prediction has not been confirmed by published transcriptional studies. In summary, the available evidence is currently insufficient to determine the role of this variant in disease. Therefore, it has been classified as a Variant of Uncertain Significance.

NM_001374736.1(DST):c.4241C>G (p.Ala1414Gly)

Gene: DST (dystonin; minus strand). Cytogenetic location: 6p12.1.
Variant type: single nucleotide variant.
Coding change: c.4241C>G on transcript NM_001374736.1 (MANE Select); coding-DNA position 4241, C replaced by G.
Protein change: p.Ala1414Gly; replaces alanine 1414 with glycine.
Molecular consequence: missense variant.
Genome position (GRCh38, 1-based): chr6:56,630,285, G>C on the plus strand (C>G on the coding strand, the complement: DST is on the minus strand). VCF-style: chr6-56630285-G-C. GRCh37 (hg19) VCF-style: chr6-56495083-G-C.
Other names: c.4142C>G, p.Ala1381Gly (NM_001144769.5); c.3728C>G, p.Ala1243Gly (NM_001144770.2); c.4241C>G, p.Ala1414Gly (NM_001374722.1); c.3608C>G, p.Ala1203Gly (NM_001374729.1, NM_001374730.1, NM_001386100.1 and 1 more transcripts); c.4268C>G, p.Ala1423Gly (NM_001374734.1); c.2630C>G, p.Ala877Gly (NM_001723.7, NM_015548.5); short protein forms A1203G, A1381G, A1414G, A877G, A1243G, A1423G.
Identifiers: ClinVar variation 1347771 (VCV001347771.8), dbSNP rs2152757633, ClinGen allele CA364574102.